The following is an entry in ClinVar:

NM_000051.4(ATM):c.5402A>G (p.Asn1801Ser)

Gene: ATM (ATM serine/threonine kinase; plus strand). Cytogenetic location: 11q22.3.
Variant type: single nucleotide variant.
Coding change: c.5402A>G on transcript NM_000051.4 (MANE Select); coding-DNA position 5402, A replaced by G.
Protein change: p.Asn1801Ser; replaces asparagine 1801 with serine.
Molecular consequence: missense variant.
Genome position (GRCh38, 1-based): chr11:108,302,935, A>G. VCF-style: chr11-108302935-A-G. GRCh37 (hg19) VCF-style: chr11-108173662-A-G.
Other names: c.5402A>G, p.Asn1801Ser (NM_001351834.2); short protein forms N1801S.
Identifiers: ClinVar variation 524295 (VCV000524295.14), dbSNP rs1555106445, ClinGen allele CA382543745.

ClinVar aggregate classification (germline): Uncertain significance. Review status: criteria provided, multiple submitters, no conflicts (2 of 4 stars). 4 submissions from 4 submitters: Uncertain significance (3). 1 of the submissions does not count toward it. Last evaluated 2023-05-06.

Conditions:
Hereditary cancer-predisposing syndrome. Also called: Neoplastic Syndromes, Hereditary; Tumor predisposition; Hereditary Cancer Syndrome; Hereditary neoplastic syndrome. Identifiers: Orphanet 140162, MedGen C0027672, MeSH D009386, MONDO:0015356.
Ataxia-telangiectasia syndrome (AT). Also called: ATAXIA-TELANGIECTASIA, COMPLEMENTATION GROUP A; ATAXIA-TELANGIECTASIA, FRESNO VARIANT; Ataxia-telangiectasia; Ataxia-telangiectasia, complementation group D; AT, COMPLEMENTATION GROUP C; Ataxia-telangiectasia, complementation group E. Identifiers: Orphanet 100, MedGen C0004135, MONDO:0008840, OMIM 208900.

Allele frequency attached by ClinVar (database versions not stated): gnomAD exomes below 0.00001.
gnomAD v4.1: 2 of 1,613,496 alleles (0.00012%); highest among the groups gnomAD compares: South Asian, 0.0011%; no homozygotes.

Submissions (4):

Women's Health and Genetics/Laboratory Corporation of America, LabCorp
Classification: Uncertain significance. Last evaluated: 2023-05-06. Review status: criteria provided, single submitter. Criteria: LabCorp Variant Classification Summary - May 2015. Collection method: clinical testing. Allele origin: germline.

Ambry Genetics
Classification: Uncertain significance for Hereditary cancer-predisposing syndrome. Last evaluated: 2023-04-28. Review status: criteria provided, single submitter. Criteria: Ambry Variant Classification Scheme 2023. Collection method: clinical testing. Allele origin: germline.
Comment: The p.N1801S variant (also known as c.5402A>G), located in coding exon 35 of the ATM gene, results from an A to G substitution at nucleotide position 5402. The asparagine at codon 1801 is replaced by serine, an amino acid with highly similar properties. This amino acid position is poorly conserved in available vertebrate species. In addition, this alteration is predicted to be tolerated by in silico analysis. Since supporting evidence is limited at this time, the clinical significance of this alteration remains unclear.

Labcorp Genetics (formerly Invitae), Labcorp
Classification: Uncertain significance for Ataxia-telangiectasia syndrome. Last evaluated: 2023-02-20. Review status: criteria provided, single submitter. Criteria: Invitae Variant Classification Sherloc (09022015). Collection method: clinical testing. Allele origin: germline.
Comment: Algorithms developed to predict the effect of missense changes on protein structure and function output the following: SIFT: "Not Available"; PolyPhen-2: "Benign"; Align-GVGD: "Not Available". The serine amino acid residue is found in multiple mammalian species, which suggests that this missense change does not adversely affect protein function. ClinVar contains an entry for this variant (Variation ID: 524295). This variant has not been reported in the literature in individuals affected with ATM-related conditions. This variant is not present in population databases (gnomAD no frequency). This sequence change replaces asparagine, which is neutral and polar, with serine, which is neutral and polar, at codon 1801 of the ATM protein (p.Asn1801Ser). In summary, the available evidence is currently insufficient to determine the role of this variant in disease. Therefore, it has been classified as a Variant of Uncertain Significance.

Department of Pathology and Laboratory Medicine, Sinai Health System
Classification: Uncertain significance. Review status: no assertion criteria provided. Collection method: clinical testing. Allele origin: unknown. Affected: yes. Study: The Canadian Open Genetics Repository (COGR). Not counted in ClinVar's aggregate classification.
Comment: The ATM p.Asn1801Ser variant was not identified in the literature nor was it identified in the following databases: dbSNP, ClinVar, COGR, Cosmic, MutDB, LOVD 3.0, or ATM-LOVD. The variant was not identified in control databases: the 1000 Genomes Project, the NHLBI GO Exome Sequencing Project, the Exome Aggregation Consortium (August 8th 2016), or the Genome Aggregation Database (Feb 27, 2017). The p.Asn1801 residue is not conserved in mammals and computational analyses (PolyPhen-2, SIFT, AlignGVGD, BLOSUM, MutationTaster) do not suggest a high likelihood of impact to the protein; however, this information is not predictive enough to rule out pathogenicity. The variant occurs outside of the splicing consensus sequence and 1 of 5 in silico or computational prediction software programs (SpliceSiteFinder, MaxEntScan, NNSPLICE, GeneSplicer, HumanSpliceFinder) predict a greater than 10% difference in splicing; this is not very predictive of pathogenicity. In summary, based on the above information the clinical significance of this variant cannot be determined with certainty at this time. This variant is classified as a variant of uncertain significance.